The following is an entry in ClinVar:

NM_004260.4(RECQL4):c.135C>G (p.Tyr45Ter)

Genes: RECQL4 (RecQ like helicase 4; minus strand), LOC130001411 (ATAC-STARR-seq lymphoblastoid silent region 19699; plus strand). Cytogenetic location: 8q24.3.
Variant type: single nucleotide variant.
Coding change: c.135C>G on transcript NM_004260.4 (MANE Select); coding-DNA position 135, C replaced by G.
Protein change: p.Tyr45Ter; replaces tyrosine 45 with a stop codon.
Molecular consequence: nonsense.
Genome position (GRCh38, 1-based): chr8:144,517,492, G>C on the plus strand (C>G on the coding strand, the complement: RECQL4 is on the minus strand). VCF-style: chr8-144517492-G-C. GRCh37 (hg19) VCF-style: chr8-145742876-G-C.
Other names: c.135C>G, p.Tyr45Ter (NM_001413017.1, NM_001413018.1, NM_001413019.1 and 5 more transcripts); c.-586C>G (NM_001413021.1); c.-937C>G (NM_001413022.1, NM_001413023.1, NM_001413037.1 and 2 more transcripts); c.-834C>G (NM_001413024.1, NM_001413035.1); c.-999C>G (NM_001413027.1, NM_001413030.1, NM_001413031.1 and 1 more transcripts); c.-662C>G (NM_001413028.1); c.-896C>G (NM_001413032.1); c.-841C>G (NM_001413034.1); and 1 more; short protein forms Y45*.
Identifiers: ClinVar variation 2044028 (VCV002044028.4), dbSNP rs1586833765, ClinGen allele CA372692748.

ClinVar aggregate classification (germline): Pathogenic (1 of 4 stars; one submission).

Conditions:
Baller-Gerold syndrome (BGS). Also called: CRANIOSYNOSTOSIS WITH RADIAL DEFECTS. Identifiers: Orphanet 1225, MedGen C0265308, MONDO:0009039, OMIM 218600.

Allele frequency attached by ClinVar (database versions not stated): gnomAD exomes below 0.00001.

Submission:

Labcorp Genetics (formerly Invitae), Labcorp
Classification: Pathogenic for Baller-Gerold syndrome. Last evaluated: 2022-07-05. Review status: criteria provided, single submitter. Criteria: Invitae Variant Classification Sherloc (09022015). Collection method: clinical testing. Allele origin: germline.
Comment: This sequence change creates a premature translational stop signal (p.Tyr45*) in the RECQL4 gene. It is expected to result in an absent or disrupted protein product. Loss-of-function variants in RECQL4 are known to be pathogenic (PMID: 12734318, 12952869). For these reasons, this variant has been classified as Pathogenic. This variant has not been reported in the literature in individuals affected with RECQL4-related conditions. This variant is not present in population databases (gnomAD no frequency).

Literature cited by the submitters: PubMed 12734318; PubMed 12952869.